The following is an entry in ClinVar:

ClinVar aggregate classification (germline): Uncertain significance (1 of 4 stars; one submission).

gnomAD v4.1: 3 of 1,613,924 alleles (0.00019%); highest among the groups gnomAD compares: Non-Finnish European, 0.00025%; no homozygotes.

Submission:

GeneDx
Classification: Uncertain significance. Last evaluated: 2023-05-19. Review status: criteria provided, single submitter. Criteria: GeneDx Variant Classification Process June 2021. Collection method: clinical testing. Allele origin: germline. Affected: yes.
Comment: Not observed at significant frequency in large population cohorts (gnomAD); In silico analysis supports that this missense variant has a deleterious effect on protein structure/function; Has not been previously published as pathogenic or benign to our knowledge

NM_001352514.2(HLCS):c.1423G>A (p.Ala475Thr)

Gene: HLCS (holocarboxylase synthetase; minus strand). Cytogenetic location: 21q22.13.
Variant type: single nucleotide variant.
Coding change: c.1423G>A on transcript NM_001352514.2 (MANE Select); coding-DNA position 1423, G replaced by A.
Protein change: p.Ala475Thr; replaces alanine 475 with threonine.
Molecular consequence: missense variant. On other transcripts: non-coding transcript variant (2).
Genome position (GRCh38, 1-based): chr21:36,936,463, C>T on the plus strand (G>A on the coding strand, the complement: HLCS is on the minus strand). VCF-style: chr21-36936463-C-T. GRCh37 (hg19) VCF-style: chr21-38308763-C-T.
Other names: c.982G>A, p.Ala328Thr (NM_000411.8, NM_001242784.3, NM_001242785.2 and 4 more transcripts); short protein forms A328T, A475T.
Identifiers: ClinVar variation 3343749 (VCV003343749.1).